The following is an entry in ClinVar:

NM_020937.4(FANCM):c.5782G>A (p.Ala1928Thr)

Gene: FANCM (FA complementation group M; plus strand). Cytogenetic location: 14q21.2.
Variant type: single nucleotide variant.
Coding change: c.5782G>A on transcript NM_020937.4 (MANE Select); coding-DNA position 5782, G replaced by A.
Protein change: p.Ala1928Thr; replaces alanine 1928 with threonine.
Molecular consequence: missense variant.
Genome position (GRCh38, 1-based): chr14:45,198,709, G>A. VCF-style: chr14-45198709-G-A. GRCh37 (hg19) VCF-style: chr14-45667912-G-A.
Other names: c.5704G>A, p.Ala1902Thr (NM_001308133.2); c.5782G>A (NM_020937.2); short protein forms A1902T, A1928T.
Identifiers: ClinVar variation 1051076 (VCV001051076.9), dbSNP rs1890206013, ClinGen allele CA389586755.
Genomic context (GRCh38, chr14:45,198,709, plus strand): 5'-ACATCAAGGATGTTTAGGAGAACAAAGAGCTATGACAGCCTGCTGACTACCTTAATTGGC[G>A]CTGGAATCCGAATTCTTTTCAGTTCCTGCCAAGAAGAAACCGCAGATTTGCTAAAGGAAC-3'
Protein context (NP_065988.1, residues 1918-1938): YDSLLTTLIG[Ala1928Thr]GIRILFSSCQ

ClinVar aggregate classification (germline): Uncertain significance. Review status: criteria provided, multiple submitters, no conflicts (2 of 4 stars). 2 submissions from 2 submitters: Uncertain significance (2). Last evaluated 2022-09-29.

Conditions:
Fanconi anemia (FA). Also called: Fanconi's anemia. Identifiers: Orphanet 84, MedGen C0015625, MeSH D005199, MONDO:0019391.

Allele frequency attached by ClinVar (database versions not stated): gnomAD 0.00001.
gnomAD v4.1: 8 of 1,613,700 alleles (0.0005%); highest among the groups gnomAD compares: South Asian, 0.0011%; no homozygotes.

Submissions (2):

GeneDx
Classification: Uncertain significance. Last evaluated: 2022-09-29. Review status: criteria provided, single submitter. Criteria: GeneDx Variant Classification Process June 2021. Collection method: clinical testing. Allele origin: germline. Affected: yes.
Comment: Not observed at significant frequency in large population cohorts (gnomAD); In silico analysis supports that this missense variant has a deleterious effect on protein structure/function; Has not been previously published as pathogenic or benign to our knowledge

Labcorp Genetics (formerly Invitae), Labcorp
Classification: Uncertain significance for Fanconi anemia. Last evaluated: 2020-03-23. Review status: criteria provided, single submitter. Criteria: Invitae Variant Classification Sherloc (09022015). Collection method: clinical testing. Allele origin: germline.
Comment: In summary, the available evidence is currently insufficient to determine the role of this variant in disease. Therefore, it has been classified as a Variant of Uncertain Significance. Algorithms developed to predict the effect of missense changes on protein structure and function are either unavailable or do not agree on the potential impact of this missense change (SIFT: "Tolerated"; PolyPhen-2: "Probably Damaging"; Align-GVGD: "Class C0"). This variant has not been reported in the literature in individuals with FANCM-related conditions. This variant is not present in population databases (ExAC no frequency). This sequence change replaces alanine with threonine at codon 1928 of the FANCM protein (p.Ala1928Thr). The alanine residue is moderately conserved and there is a small physicochemical difference between alanine and threonine.